The following is an entry in ClinVar:

ClinVar aggregate classification (germline): Pathogenic (1 of 4 stars; one submission).

Conditions:
Hereditary cancer-predisposing syndrome. Also called: Neoplastic Syndromes, Hereditary; Tumor predisposition; Hereditary Cancer Syndrome; Hereditary neoplastic syndrome. Identifiers: Orphanet 140162, MedGen C0027672, MeSH D009386, MONDO:0015356.

Submission:

Ambry Genetics
Classification: Pathogenic for Hereditary cancer-predisposing syndrome. Last evaluated: 2021-11-19. Review status: criteria provided, single submitter. Criteria: Ambry Variant Classification Scheme 2023. Collection method: clinical testing. Allele origin: germline.
Comment: The c.3496_3497dupAG pathogenic mutation, located in coding exon 6 of the MSH6 gene, results from a duplication of AG at nucleotide position 3496, causing a translational frameshift with a predicted alternate stop codon (p.L1167Gfs*18). This variant is considered to be rare based on population cohorts in the Genome Aggregation Database (gnomAD). In addition to the clinical data presented in the literature, this alteration is expected to result in loss of function by premature protein truncation or nonsense-mediated mRNA decay. As such, this alteration is interpreted as a disease-causing mutation.

NM_000179.3(MSH6):c.3496_3497dup (p.Leu1167fs)

Gene: MSH6 (mutS homolog 6; plus strand). Cytogenetic location: 2p16.3.
Variant type: Duplication.
Coding change: c.3496_3497dup on transcript NM_000179.3 (MANE Select); coding-DNA positions 3496 to 3497, 2 bases duplicated (AG; older notation c.3496_3497dupAG).
Protein change: p.Leu1167fs; shifts the reading frame from leucine 1167.
Molecular consequence: frameshift variant.
Genome position (GRCh38, 1-based): chr2:47,804,967-47,804,968, AG duplicated. VCF-style (leftmost placement, unchanged base first): chr2-47804966-C-CAG. GRCh37 (hg19) VCF-style: chr2-48032105-C-CAG.
Other names: c.3106_3107dup, p.Leu1037fs (NM_001281492.2); c.2590_2591dup, p.Leu865fs (NM_001281493.2, NM_001281494.2); c.3592_3593dup, p.Leu1199Glyfs (NM_001406795.1, NM_001406802.1); c.3496_3497dup, p.Leu1167Glyfs (NM_001406796.1, NM_001406800.1, NM_001406808.1 and 1 more transcripts); c.3199_3200dup, p.Leu1068Glyfs (NM_001406797.1, NM_001406801.1, NM_001406805.1 and 10 more transcripts); c.3322_3323dup, p.Leu1109Glyfs (NM_001406798.1); c.2971_2972dup, p.Leu992Glyfs (NM_001406799.1, NM_001406806.1, NM_001406807.1); c.2632_2633dup, p.Leu879Glyfs (NM_001406803.1); and 9 more; short protein forms L1037fs, L1167fs, L865fs.
Identifiers: ClinVar variation 1731981 (VCV001731981.2), dbSNP rs2530802328, ClinGen allele CA2580067169.